The following is an entry in ClinVar:

ClinVar aggregate classification (germline): Uncertain significance. Review status: criteria provided, multiple submitters, no conflicts (2 of 4 stars). 3 submissions from 3 submitters: Uncertain significance (3). Last evaluated 2024-09-30.

Conditions:
Inborn genetic diseases. Identifiers: MedGen C0950123, MeSH D030342.

Allele frequency attached by ClinVar (database versions not stated): gnomAD exomes 0.00010 and 0.00017; gnomAD 0.00012 and 0.00013; ExAC 0.00014; TOPMed 0.00015.
gnomAD v4.1: 176 of 1,614,134 alleles (0.011%); highest among the groups gnomAD compares: Middle Eastern, 0.17%; 1 homozygote.

Submissions (3):

Labcorp Genetics (formerly Invitae), Labcorp
Classification: Uncertain significance. Last evaluated: 2024-09-30. Review status: criteria provided, single submitter. Criteria: Invitae Variant Classification Sherloc (09022015). Collection method: clinical testing. Allele origin: germline.
Comment: This sequence change replaces alanine, which is neutral and non-polar, with threonine, which is neutral and polar, at codon 66 of the EIF2B4 protein (p.Ala66Thr). This variant is present in population databases (rs200290985, gnomAD 0.06%). This variant has not been reported in the literature in individuals affected with EIF2B4-related conditions. ClinVar contains an entry for this variant (Variation ID: 1445966). An algorithm developed to predict the effect of missense changes on protein structure and function outputs the following: PolyPhen-2: "Benign". The threonine amino acid residue is found in multiple mammalian species, which suggests that this missense change does not adversely affect protein function. In summary, the available evidence is currently insufficient to determine the role of this variant in disease. Therefore, it has been classified as a Variant of Uncertain Significance.

Ambry Genetics
Classification: Uncertain significance for Inborn genetic diseases. Last evaluated: 2022-07-26. Review status: criteria provided, single submitter. Criteria: Ambry Variant Classification Scheme 2023. Collection method: clinical testing. Allele origin: germline.

CeGaT Center for Human Genetics Tuebingen
Classification: Uncertain significance. Last evaluated: 2022-07-01. Review status: criteria provided, single submitter. Criteria: CeGaT Center For Human Genetics Tuebingen Variant Classification Criteria Version 2. Collection method: clinical testing. Allele origin: germline. Affected: yes. Observed: 1 variant allele.

NM_001034116.2(EIF2B4):c.196G>A (p.Ala66Thr)

Gene: EIF2B4 (eukaryotic translation initiation factor 2B subunit delta; minus strand). Cytogenetic location: 2p23.3.
Variant type: single nucleotide variant.
Coding change: c.196G>A on transcript NM_001034116.2 (MANE Select); coding-DNA position 196, G replaced by A.
Protein change: p.Ala66Thr; replaces alanine 66 with threonine.
Molecular consequence: missense variant. On other transcripts: 5 prime UTR variant (2).
Genome position (GRCh38, 1-based): chr2:27,369,429, C>T on the plus strand (G>A on the coding strand, the complement: EIF2B4 is on the minus strand). VCF-style: chr2-27369429-C-T. GRCh37 (hg19) VCF-style: chr2-27592296-C-T.
Other names: c.196G>A (NM_015636.3); c.259G>A, p.Ala87Thr (NM_001318965.2, NM_172195.4); c.151G>A, p.Ala51Thr (NM_001318966.2); c.106G>A, p.Ala36Thr (NM_001318967.2); c.-320G>A (NM_001318968.2); c.-397G>A (NM_001318969.2); c.196G>A, p.Ala66Thr (NM_015636.4); short protein forms A66T, A51T, A87T, A36T.
Identifiers: ClinVar variation 1445966 (VCV001445966.28), dbSNP rs200290985, ClinGen allele CA1576992.